The following is an entry in ClinVar:

ClinVar aggregate classification (germline): Likely benign. Review status: criteria provided, multiple submitters, no conflicts (2 of 4 stars). 2 submissions from 2 submitters: Likely benign (2). Last evaluated 2022-06-23.

Conditions:
Progressive sclerosing poliodystrophy (MTDPS4A). Also called: Alpers-Huttenlocher Syndrome (AHS); Alpers Syndrome; ALPERS PROGRESSIVE INFANTILE POLIODYSTROPHY; Mitochondrial DNA depletion syndrome 4A (Alpers type); ALPERS DIFFUSE DEGENERATION OF CEREBRAL GRAY MATTER WITH HEPATIC CIRRHOSIS; Alpers-Huttenlocher Syndrome. Identifiers: Orphanet 726, MedGen C0205710, MONDO:0008758, OMIM 203700.

Allele frequency attached by ClinVar (database versions not stated): TOPMed below 0.00001; gnomAD exomes below 0.00001.

Submissions (2):

Labcorp Genetics (formerly Invitae), Labcorp
Classification: Likely benign for Progressive sclerosing poliodystrophy. Last evaluated: 2022-06-23. Review status: criteria provided, single submitter. Criteria: Invitae Variant Classification Sherloc (09022015). Collection method: clinical testing. Allele origin: germline.

Wong Mito Lab, Molecular and Human Genetics, Baylor College of Medicine
Classification: Likely benign for Progressive sclerosing poliodystrophy. Last evaluated: 2018-10-01. Review status: criteria provided, single submitter. Criteria: ACMG Guidelines, 2015. Collection method: clinical testing. Allele origin: germline.
Comment: The NM_002693.2:c.855+16C>A (NP_002684.1:p.=) [GRCH38: NC_000015.10:g.89330065G>T] variant in POLG gene is interpretated to be a Likely Benign based on ACMG guidelines (PMID: 25741868). This variant meets the following evidence codes reported in the ACMG-guideline. BP4:Computational evidence/predictors indicate no impact on the POLG structure, function, or protein-protein interaction. BP6:Reputable source(s) without shared data suggest the variant is benign. Based on the evidence criteria codes applied, the variant is suggested to be Likely Benign.

NM_002693.3(POLG):c.855+16C>A

Gene: POLG (DNA polymerase gamma, catalytic subunit; minus strand). Cytogenetic location: 15q26.1.
Variant type: single nucleotide variant.
Coding change: c.855+16C>A on transcript NM_002693.3 (MANE Select); 16 bases into the intron after coding-DNA position 855, C replaced by A.
Molecular consequence: intron variant.
Genome position (GRCh38, 1-based): chr15:89,330,065, G>T on the plus strand (C>A on the coding strand, the complement: POLG is on the minus strand). VCF-style: chr15-89330065-G-T. GRCh37 (hg19) VCF-style: chr15-89873296-G-T.
Other names: c.855+16C>A (NM_001126131.2).
Identifiers: ClinVar variation 619486 (VCV000619486.6), dbSNP rs1567192747, ClinGen allele CA10602327.